The following is an entry in ClinVar:

ClinVar aggregate classification (germline): Conflicting classifications of pathogenicity. Review status: criteria provided, conflicting classifications (1 of 4 stars). 4 submissions from 4 submitters: Uncertain significance (1); Likely benign (2). 1 of the submissions does not count toward it. Last evaluated 2026-01-15.

Conditions:
Joubert syndrome. Also called: JOUBERT-BOLTSHAUSER SYNDROME; Familial aplasia of the vermis. Identifiers: Orphanet 475, MedGen C5979921, MONDO:0018772.
Meckel-Gruber syndrome. Also called: Dysencephalia splachnocystica; DYSENCEPHALIA SPLANCHNOCYSTICA; GRUBER SYNDROME. Identifiers: Orphanet 564, MedGen C0265215, MONDO:0018921.
Nephronophthisis. Also called: Juvenile Nephronophthisis. Identifiers: Orphanet 655, MedGen C0687120, MONDO:0019005, HP:0000090.
CEP290-related disorder. Also called: CEP290-related condition; CEP290-related disorders. Identifiers: MedGen CN239314.

Allele frequency attached by ClinVar (database versions not stated): gnomAD exomes below 0.00001 and 0.00001; ExAC 0.00001; gnomAD 0.00001; TOPMed 0.00002; 1000 Genomes Project 30x 0.00016; 1000 Genomes Project 0.00020.
gnomAD v4.1: 8 of 1,605,512 alleles (0.0005%); highest among the groups gnomAD compares: Admixed American, 0.01%; no homozygotes.

Submissions (4):

Labcorp Genetics (formerly Invitae), Labcorp
Classification: Likely benign for Joubert syndrome; Meckel-Gruber syndrome; Nephronophthisis. Last evaluated: 2026-01-15. Review status: criteria provided, single submitter. Criteria: Invitae Variant Classification Sherloc (09022015). Collection method: clinical testing. Allele origin: germline.

CeGaT Center for Human Genetics Tuebingen
Classification: Uncertain significance. Last evaluated: 2025-08-01. Review status: criteria provided, single submitter. Criteria: CeGaT Center For Human Genetics Tuebingen Variant Classification Criteria Version 2. Collection method: clinical testing. Allele origin: germline. Affected: yes. Observed: 1 variant allele.
Comment: CEP290: PM2:Supporting, BP4

Blueprint Genetics
Classification: Likely benign. Last evaluated: 2023-10-25. Review status: criteria provided, single submitter. Criteria: ACMG Guidelines, 2015. Collection method: clinical testing. Allele origin: germline.

PreventionGenetics, part of Exact Sciences
Classification: Likely benign for CEP290-related condition. Last evaluated: 2021-07-02. Review status: no assertion criteria provided. Collection method: clinical testing. Allele origin: germline. Not counted in ClinVar's aggregate classification.
Comment: This variant is classified as likely benign based on ACMG/AMP sequence variant interpretation guidelines (Richards et al. 2015 PMID: 25741868, with internal and published modifications).

NM_025114.4(CEP290):c.5670A>C (p.Gly1890=)

Gene: CEP290 (centrosomal protein 290; minus strand). Cytogenetic location: 12q21.32.
Variant type: single nucleotide variant.
Coding change: c.5670A>C on transcript NM_025114.4 (MANE Select); coding-DNA position 5670, A replaced by C.
Protein change: p.Gly1890=; no amino-acid change (glycine 1890 retained).
Molecular consequence: synonymous variant.
Genome position (GRCh38, 1-based): chr12:88,077,261, T>G on the plus strand (A>C on the coding strand, the complement: CEP290 is on the minus strand). VCF-style: chr12-88077261-T-G. GRCh37 (hg19) VCF-style: chr12-88471038-T-G.
Other names: c.5670A>C (NM_025114.3).
Identifiers: ClinVar variation 1127510 (VCV001127510.19), dbSNP rs545964640, ClinGen allele CA6711679.
Genomic context (GRCh38, chr12:88,077,261, plus strand): 5'-TCAGTATGTTTCTTCACATACCTTTTCTTTCATAGGTTTTAGGTCTACTTCCTCCACCTT[T>G]CCCTCTAATTGGTTCTCTAGTTTTTTAACTTTCCTTTGGAGTTCTTCAATTAGACTTTGT-3'
Protein context (NP_079390.3, residues 1880-1900): KVKKLENQLE[Gly1890=]KVEEVDLKPM